The following is an entry in ClinVar:

NM_032217.5(ANKRD17):c.5954C>G (p.Thr1985Arg)

Gene: ANKRD17 (ankyrin repeat domain 17; minus strand). Cytogenetic location: 4q13.3.
Variant type: single nucleotide variant.
Coding change: c.5954C>G on transcript NM_032217.5 (MANE Select); coding-DNA position 5954, C replaced by G.
Protein change: p.Thr1985Arg; replaces threonine 1985 with arginine.
Molecular consequence: missense variant.
Genome position (GRCh38, 1-based): chr4:73,091,674, G>C on the plus strand (C>G on the coding strand, the complement: ANKRD17 is on the minus strand). VCF-style: chr4-73091674-G-C. GRCh37 (hg19) VCF-style: chr4-73957391-G-C.
Other names: c.5615C>G, p.Thr1872Arg (NM_001286771.3); c.5951C>G, p.Thr1984Arg (NM_015574.2); c.5201C>G, p.Thr1734Arg (NM_198889.3); short protein forms T1734R, T1985R, T1872R, T1984R.
Identifiers: ClinVar variation 5009779 (VCV005009779.1).

ClinVar aggregate classification (germline): Uncertain significance (1 of 4 stars; one submission).

Submission:

GeneDx
Classification: Uncertain significance. Last evaluated: 2026-02-19. Review status: criteria provided, single submitter. Criteria: GeneDx Variant Classification Process June 2021. Collection method: clinical testing. Allele origin: germline.
Comment: Not observed at significant frequency in large population cohorts (gnomAD); In silico analysis suggests that this missense variant does not alter protein structure/function; Has not been previously published as pathogenic or benign to our knowledge